The following is an entry in ClinVar:

NM_032620.4(GTPBP3):c.1189T>C (p.Ser397Pro)

Gene: GTPBP3 (GTP binding protein 3, mitochondrial; plus strand). Cytogenetic location: 19p13.11.
Variant type: single nucleotide variant.
Coding change: c.1189T>C on transcript NM_032620.4 (MANE Select); coding-DNA position 1189, T replaced by C.
Protein change: p.Ser397Pro; replaces serine 397 with proline.
Molecular consequence: missense variant.
Genome position (GRCh38, 1-based): chr19:17,341,258, T>C. VCF-style: chr19-17341258-T-C. GRCh37 (hg19) VCF-style: chr19-17452067-T-C.
Other names: c.1126T>C, p.Ser376Pro (NM_001128855.3); c.1255T>C, p.Ser419Pro (NM_001195422.1); c.1285T>C, p.Ser429Pro (NM_133644.4); short protein forms S419P, S397P, S376P, S429P.
Identifiers: ClinVar variation 1900111 (VCV001900111.3), dbSNP rs2074428945, ClinGen allele CA404738977.
Genomic context (GRCh38, chr19:17,341,258, plus strand): 5'-GACCTGCTGTCCCCGGAGGGCCCAGGTCCCGGTCCTGACCTGCCCCCGCACCTGCTGCTG[T>C]CCTGTCTGACGGGAGAGGGGCTGGACGGCCTCCTGGAGGCGCTGAGGAAGGAGCTAGCTG-3'
Protein context (NP_116009.2, residues 387-407): GPDLPPHLLL[Ser397Pro]CLTGEGLDGL

ClinVar aggregate classification (germline): Uncertain significance (1 of 4 stars; one submission).

Allele frequency attached by ClinVar (database versions not stated): gnomAD 0.00001; TOPMed 0.00001.
gnomAD v4.1: 2 of 1,606,332 alleles (0.00012%); highest among the groups gnomAD compares: Admixed American, 0.0017%; no homozygotes.

Submission:

Labcorp Genetics (formerly Invitae), Labcorp
Classification: Uncertain significance. Last evaluated: 2023-05-08. Review status: criteria provided, single submitter. Criteria: Invitae Variant Classification Sherloc (09022015). Collection method: clinical testing. Allele origin: germline.
Comment: In summary, the available evidence is currently insufficient to determine the role of this variant in disease. Therefore, it has been classified as a Variant of Uncertain Significance. Advanced modeling of protein sequence and biophysical properties (such as structural, functional, and spatial information, amino acid conservation, physicochemical variation, residue mobility, and thermodynamic stability) performed at Invitae indicates that this missense variant is expected to disrupt GTPBP3 protein function. ClinVar contains an entry for this variant (Variation ID: 1900111). This variant has not been reported in the literature in individuals affected with GTPBP3-related conditions. This variant is not present in population databases (gnomAD no frequency). This sequence change replaces serine, which is neutral and polar, with proline, which is neutral and non-polar, at codon 429 of the GTPBP3 protein (p.Ser429Pro).